The following is an entry in ClinVar:

NM_000230.3(LEP):c.144G>A (p.Thr48=)

Gene: LEP (leptin; plus strand). Cytogenetic location: 7q32.1.
Variant type: single nucleotide variant.
Coding change: c.144G>A on transcript NM_000230.3 (MANE Select); coding-DNA position 144, G replaced by A.
Protein change: p.Thr48=; no amino-acid change (threonine 48 retained).
Molecular consequence: synonymous variant.
Genome position (GRCh38, 1-based): chr7:128,252,162, G>A. VCF-style: chr7-128252162-G-A. GRCh37 (hg19) VCF-style: chr7-127892215-G-A.
Other names: c.144G>A (NM_000230.2).
Identifiers: ClinVar variation 4897686 (VCV004897686.2).
Genomic context (GRCh38, chr7:128,252,162, plus strand): 5'-AGATGACACCAAAACCCTCATCAAGACAATTGTCACCAGGATCAATGACATTTCACACAC[G>A]GTAAGGAGAGTATGCGGGGACAAAGTAGAACTGCAGCCAGCCCAGCACTGGCTCCTAGTG-3'
Protein context (NP_000221.1, residues 38-58): IVTRINDISH[Thr48=]QSVSSKQKVT

ClinVar aggregate classification (germline): Uncertain significance. Review status: criteria provided, multiple submitters, no conflicts (2 of 4 stars). 2 submissions from 2 submitters: Uncertain significance (2). Last evaluated 2026-02-05.

Conditions:
LEP-related disorder. Also called: LEP-related condition.

gnomAD v4.1: 83 of 1,613,996 alleles (0.0051%); highest among the groups gnomAD compares: Non-Finnish European, 0.0018%; no homozygotes.

Submissions (2):

PreventionGenetics, part of Exact Sciences
Classification: Uncertain significance for LEP-related condition. Last evaluated: 2026-02-05. Review status: criteria provided, single submitter. Criteria: ACMG Guidelines, 2015. Collection method: clinical testing. Allele origin: germline.
Comment: The LEP c.144G>A variant is not predicted to result in an amino acid change (p.=). This variant has been reported in an individual with obesity (Karvonen et al. 1998. PubMed ID: 9745435). This variant occurs at an exon/intron boundary and is predicted to alter splicing based on available splicing prediction programs (SpliceAI, Jaganathan et al. 2019. PubMed ID: 30661751). However, the use of computer prediction programs is not equivalent to functional evidence. This variant is reported in 0.088% of alleles in individuals of European (Finnish) descent in gnomAD. At this time, the clinical significance of this variant is uncertain due to the absence of conclusive functional and genetic evidence.

Blueprint Genetics
Classification: Uncertain significance. Last evaluated: 2023-02-01. Review status: criteria provided, single submitter. Criteria: ACMG Guidelines, 2015. Collection method: clinical testing. Allele origin: germline.